The following is an entry in ClinVar:

NM_000275.3(OCA2):c.1138G>C (p.Val380Leu)

Gene: OCA2 (OCA2 melanosomal transmembrane protein; minus strand). Cytogenetic location: 15q13.1.
Variant type: single nucleotide variant.
Coding change: c.1138G>C on transcript NM_000275.3 (MANE Select); coding-DNA position 1138, G replaced by C.
Protein change: p.Val380Leu; replaces valine 380 with leucine.
Molecular consequence: missense variant.
Genome position (GRCh38, 1-based): chr15:27,989,645, C>G on the plus strand (G>C on the coding strand, the complement: OCA2 is on the minus strand). VCF-style: chr15-27989645-C-G. GRCh37 (hg19) VCF-style: chr15-28234791-C-G.
Other names: c.1066G>C, p.Val356Leu (NM_001300984.2); short protein forms V380L, V356L.
Identifiers: ClinVar variation 1391787 (VCV001391787.5), dbSNP rs41529845, ClinGen allele CA7439189.

ClinVar aggregate classification (germline): Uncertain significance (1 of 4 stars; one submission).

Allele frequency attached by ClinVar (database versions not stated): ESP Exome Variant Server 0.00023.
gnomAD v4.1: 41 of 1,614,032 alleles (0.0025%); highest among the groups gnomAD compares: African/African-American, 0.055%; no homozygotes.

Submission:

Labcorp Genetics (formerly Invitae), Labcorp
Classification: Uncertain significance. Last evaluated: 2022-10-25. Review status: criteria provided, single submitter. Criteria: Invitae Variant Classification Sherloc (09022015). Collection method: clinical testing. Allele origin: germline.
Comment: This sequence change replaces valine, which is neutral and non-polar, with leucine, which is neutral and non-polar, at codon 380 of the OCA2 protein (p.Val380Leu). This variant is present in population databases (rs41529845, gnomAD 0.05%). This variant has not been reported in the literature in individuals affected with OCA2-related conditions. ClinVar contains an entry for this variant (Variation ID: 1391787). Advanced modeling of protein sequence and biophysical properties (such as structural, functional, and spatial information, amino acid conservation, physicochemical variation, residue mobility, and thermodynamic stability) performed at Invitae indicates that this missense variant is not expected to disrupt OCA2 protein function. In summary, the available evidence is currently insufficient to determine the role of this variant in disease. Therefore, it has been classified as a Variant of Uncertain Significance.